The following is an entry in ClinVar:

ClinVar aggregate classification (germline): Uncertain significance (1 of 4 stars; one submission).

Conditions:
Hypertrophic cardiomyopathy. Also called: HYPERTROPHIC MYOCARDIOPATHY. Identifiers: Orphanet 217569, MedGen C0007194, MeSH D002312, MONDO:0005045, HP:0001639.

Submission:

Labcorp Genetics (formerly Invitae), Labcorp
Classification: Uncertain significance for Hypertrophic cardiomyopathy. Last evaluated: 2022-05-04. Review status: criteria provided, single submitter. Criteria: Invitae Variant Classification Sherloc (09022015). Collection method: clinical testing. Allele origin: germline.
Comment: This sequence change falls in intron 11 of the MYH7 gene. It does not directly change the encoded amino acid sequence of the MYH7 protein. It affects a nucleotide within the consensus splice site. This variant is not present in population databases (gnomAD no frequency). This variant has not been reported in the literature in individuals affected with MYH7-related conditions. Variants that disrupt the consensus splice site are a relatively common cause of aberrant splicing (PMID: 17576681, 9536098). Algorithms developed to predict the effect of sequence changes on RNA splicing suggest that this variant may disrupt the consensus splice site. In summary, the available evidence is currently insufficient to determine the role of this variant in disease. Therefore, it has been classified as a Variant of Uncertain Significance.

Literature cited by the submitters: PubMed 17576681; PubMed 9536098.

NM_000257.4(MYH7):c.999+5G>A

Gene: MYH7 (myosin heavy chain 7; minus strand). Cytogenetic location: 14q11.2.
Variant type: single nucleotide variant.
Coding change: c.999+5G>A on transcript NM_000257.4 (MANE Select); 5 bases into the intron after coding-DNA position 999, G replaced by A.
Molecular consequence: intron variant.
Genome position (GRCh38, 1-based): chr14:23,430,555, C>T on the plus strand (G>A on the coding strand, the complement: MYH7 is on the minus strand). VCF-style: chr14-23430555-C-T. GRCh37 (hg19) VCF-style: chr14-23899764-C-T.
Identifiers: ClinVar variation 2133791 (VCV002133791.4), dbSNP rs2502308247, ClinGen allele CA2580087868.